The following is an entry in ClinVar:

ClinVar aggregate classification (germline): Uncertain significance (0 of 4 stars; one submission).

Conditions:
Neurodevelopmental disorder. Identifiers: MedGen C1535926, MeSH D065886, MONDO:0700092.

Submission:

Department of Human Genetics, University Hospital Bern, Inselspital
Classification: Uncertain significance for neurodevelopmental disorder. Last evaluated: 2025-07-21. Review status: no assertion criteria provided. Collection method: clinical testing. Allele origin: de novo. Affected: yes.
Comment: de novo truncating variant, however, gene is still a candidate gene; gene predicted to be intolerant to loss-of-function variants, variant not in population databases

NM_005839.4(SRRM1):c.1964C>G (p.Ser655Ter)

Gene: SRRM1 (serine and arginine repetitive matrix 1; plus strand). Cytogenetic location: 1p36.11.
Variant type: single nucleotide variant.
Coding change: c.1964C>G on transcript NM_005839.4 (MANE Select); coding-DNA position 1964, C replaced by G.
Protein change: p.Ser655Ter; replaces serine 655 with a stop codon.
Molecular consequence: nonsense. On other transcripts: non-coding transcript variant (13).
Genome position (GRCh38, 1-based): chr1:24,669,347, C>G. VCF-style: chr1-24669347-C-G. GRCh37 (hg19) VCF-style: chr1-24995838-C-G.
Other names: c.2000C>G, p.Ser667Ter (NM_001303448.2); c.1883C>G, p.Ser628Ter (NM_001303449.1); c.1715C>G, p.Ser572Ter (NM_001366565.1, NM_001366566.1); c.1709C>G, p.Ser570Ter (NM_001366567.1, NM_001366584.1, NM_001366599.1); c.1757C>G, p.Ser586Ter (NM_001366568.1, NM_001366571.1, NM_001366600.1); c.2003C>G, p.Ser668Ter (NM_001366569.1); c.1748C>G, p.Ser583Ter (NM_001366570.1); c.1712C>G, p.Ser571Ter (NM_001366572.1, NM_001366598.1); and 16 more; short protein forms S542*, S555*, S556*, S570*, S571*, S572*, S583*, S584*.
Identifiers: ClinVar variation 4075398 (VCV004075398.1).